The following is an entry in ClinVar:

ClinVar aggregate classification (germline): Uncertain significance (1 of 4 stars; one submission).

Submission:

Labcorp Genetics (formerly Invitae), Labcorp
Classification: Uncertain significance. Last evaluated: 2022-06-27. Review status: criteria provided, single submitter. Criteria: Invitae Variant Classification Sherloc (09022015). Collection method: clinical testing. Allele origin: germline.
Comment: In summary, the available evidence is currently insufficient to determine the role of this variant in disease. Therefore, it has been classified as a Variant of Uncertain Significance. Algorithms developed to predict the effect of missense changes on protein structure and function are either unavailable or do not agree on the potential impact of this missense change (SIFT: "Deleterious"; PolyPhen-2: "Probably Damaging"; Align-GVGD: "Class C0"). This variant has not been reported in the literature in individuals affected with RELA-related conditions. This variant is not present in population databases (gnomAD no frequency). This sequence change replaces alanine, which is neutral and non-polar, with threonine, which is neutral and polar, at codon 129 of the RELA protein (p.Ala129Thr).

NM_021975.4(RELA):c.385G>A (p.Ala129Thr)

Gene: RELA (RELA proto-oncogene, NF-kB subunit; minus strand). Cytogenetic location: 11q13.1.
Variant type: single nucleotide variant.
Coding change: c.385G>A on transcript NM_021975.4 (MANE Select); coding-DNA position 385, G replaced by A.
Protein change: p.Ala129Thr; replaces alanine 129 with threonine.
Molecular consequence: missense variant.
Genome position (GRCh38, 1-based): chr11:65,660,166, C>T on the plus strand (G>A on the coding strand, the complement: RELA is on the minus strand). VCF-style: chr11-65660166-C-T. GRCh37 (hg19) VCF-style: chr11-65427637-C-T.
Other names: c.385G>A, p.Ala129Thr (NM_001145138.2, NM_001243984.2, NM_001243985.2); short protein forms A129T.
Identifiers: ClinVar variation 1399095 (VCV001399095.8), dbSNP rs2135565555, ClinGen allele CA381393547.